The following is an entry in ClinVar:

ClinVar aggregate classification (germline): Uncertain significance (1 of 4 stars; one submission).

Conditions:
Immunodeficiency. Identifiers: MedGen C0021051, MONDO:0021094, HP:0002721.

Submission:

Labcorp Genetics (formerly Invitae), Labcorp
Classification: Uncertain significance for Immunodeficiency. Last evaluated: 2025-03-04. Review status: criteria provided, single submitter. Criteria: Invitae Variant Classification Sherloc (09022015). Collection method: clinical testing. Allele origin: germline.
Comment: This sequence change replaces alanine, which is neutral and non-polar, with threonine, which is neutral and polar, at codon 1307 of the NFAT5 protein (p.Ala1307Thr). This variant is not present in population databases (gnomAD no frequency). This variant has not been reported in the literature in individuals affected with NFAT5-related conditions. An algorithm developed to predict the effect of missense changes on protein structure and function (PolyPhen-2) suggests that this variant is likely to be disruptive. In summary, the available evidence is currently insufficient to determine the role of this variant in disease. Therefore, it has been classified as a Variant of Uncertain Significance.

NM_138713.4(NFAT5):c.4201G>A (p.Ala1401Thr)

Gene: NFAT5 (nuclear factor of activated T cells 5; plus strand). Cytogenetic location: 16q22.1.
Variant type: single nucleotide variant.
Coding change: c.4201G>A on transcript NM_138713.4 (MANE Select); coding-DNA position 4201, G replaced by A.
Protein change: p.Ala1401Thr; replaces alanine 1401 with threonine.
Molecular consequence: missense variant.
Genome position (GRCh38, 1-based): chr16:69,694,026, G>A. VCF-style: chr16-69694026-G-A. GRCh37 (hg19) VCF-style: chr16-69727929-G-A.
Other names: c.4198G>A, p.Ala1400Thr (NM_001113178.3); c.3526G>A, p.Ala1176Thr (NM_001367709.1); c.4147G>A, p.Ala1383Thr (NM_006599.4); c.3919G>A, p.Ala1307Thr (NM_138714.4, NM_173214.3, NM_173215.3); short protein forms A1176T, A1400T, A1401T, A1307T, A1383T.
Identifiers: ClinVar variation 4713736 (VCV004713736.1).